The following is an entry in ClinVar:

NM_198859.4(PRICKLE2):c.1798C>T (p.Arg600Trp)

Genes: PRICKLE2 (prickle planar cell polarity protein 2; minus strand), PRICKLE2-AS1 (PRICKLE2 antisense RNA 1; plus strand). Cytogenetic location: 3p14.1.
Variant type: single nucleotide variant.
Coding change: c.1798C>T on transcript NM_198859.4 (MANE Select); coding-DNA position 1798, C replaced by T.
Protein change: p.Arg600Trp; replaces arginine 600 with tryptophan.
Molecular consequence: missense variant. On other transcripts: non-coding transcript variant (1).
Genome position (GRCh38, 1-based): chr3:64,099,788, G>A on the plus strand (C>T on the coding strand, the complement: PRICKLE2 is on the minus strand). VCF-style: chr3-64099788-G-A. GRCh37 (hg19) VCF-style: chr3-64085464-G-A.
Other names: c.1798C>T, p.Arg600Trp (NM_001370528.1); short protein forms R600W.
Identifiers: ClinVar variation 1995182 (VCV001995182.4), dbSNP rs1431946218, ClinGen allele CA353427918.
Genomic context (GRCh38, chr3:64,099,788, plus strand): 5'-TTCCCTCCATCTCCTGGTACTGCTGGGCAGAGAGCAGGCTGCGAACTGACTCTGCGCTCC[G>A]GAACTGCATGGACGAGTTAAGAGTGCCCATGTTGCTCAGCTTCTCAGACACATTCATTCC-3'
Protein context (NP_942559.1, residues 590-610): MGTLNSSMQF[Arg600Trp]SAESVRSLLS

ClinVar aggregate classification (germline): Uncertain significance (1 of 4 stars; one submission).

Conditions:
Progressive myoclonic epilepsy type 5. Identifiers: Orphanet 402082, MedGen C5190799.

gnomAD v4.1: 8 of 1,614,196 alleles (0.0005%); highest among the groups gnomAD compares: Non-Finnish European, 0.00068%; no homozygotes.

Submission:

Labcorp Genetics (formerly Invitae), Labcorp
Classification: Uncertain significance for Progressive myoclonic epilepsy type 5. Last evaluated: 2022-10-23. Review status: criteria provided, single submitter. Criteria: Invitae Variant Classification Sherloc (09022015). Collection method: clinical testing. Allele origin: germline.
Comment: This sequence change replaces arginine, which is basic and polar, with tryptophan, which is neutral and slightly polar, at codon 600 of the PRICKLE2 protein (p.Arg600Trp). This variant is not present in population databases (gnomAD no frequency). This variant has not been reported in the literature in individuals affected with PRICKLE2-related conditions. Algorithms developed to predict the effect of missense changes on protein structure and function (SIFT, PolyPhen-2, Align-GVGD) all suggest that this variant is likely to be disruptive. In summary, the available evidence is currently insufficient to determine the role of this variant in disease. Therefore, it has been classified as a Variant of Uncertain Significance.